The following is an entry in ClinVar:

ClinVar aggregate classification (germline): Likely benign (0 of 4 stars; one submission).

Conditions:
CCDC50-related disorder. Also called: CCDC50-related condition.

Submission:

PreventionGenetics, part of Exact Sciences
Classification: Likely benign for CCDC50-related condition. Last evaluated: 2019-07-24. Review status: no assertion criteria provided. Collection method: clinical testing. Allele origin: germline.
Comment: This variant is classified as likely benign based on ACMG/AMP sequence variant interpretation guidelines (Richards et al. 2015 PMID: 25741868, with internal and published modifications).

NM_178335.3(CCDC50):c.1143C>T (p.Ile381=)

Gene: CCDC50 (coiled-coil domain containing 50; plus strand). Cytogenetic location: 3q28.
Variant type: single nucleotide variant.
Coding change: c.1143C>T on transcript NM_178335.3 (MANE Select); coding-DNA position 1143, C replaced by T.
Protein change: p.Ile381=; no amino-acid change (isoleucine 381 retained).
Molecular consequence: synonymous variant.
Genome position (GRCh38, 1-based): chr3:191,380,833, C>T. VCF-style: chr3-191380833-C-T. GRCh37 (hg19) VCF-style: chr3-191098622-C-T.
Other names: c.615C>T, p.Ile205= (NM_174908.4).
Identifiers: ClinVar variation 3050168 (VCV003050168.2), dbSNP rs753822249, ClinGen allele CA2755469.